The following is an entry in ClinVar:

NM_016026.4(RDH11):c.677C>T (p.Thr226Met)

Genes: GPHN (gephyrin; plus strand), RDH11 (retinol dehydrogenase 11; minus strand). Cytogenetic location: 14q24.1.
Variant type: single nucleotide variant.
Coding change: c.677C>T on transcript NM_016026.4 (MANE Select); coding-DNA position 677, C replaced by T.
Protein change: p.Thr226Met; replaces threonine 226 with methionine.
Molecular consequence: missense variant.
Genome position (GRCh38, 1-based): chr14:67,685,192, G>A on the plus strand (C>T on the coding strand, the complement: RDH11 is on the minus strand). VCF-style: chr14-67685192-G-A. GRCh37 (hg19) VCF-style: chr14-68151909-G-A.
Other names: c.467C>T, p.Thr156Met (NM_001252650.2); short protein forms T156M, T226M.
Identifiers: ClinVar variation 1349580 (VCV001349580.9), dbSNP rs751434718, ClinGen allele CA7238315.

ClinVar aggregate classification (germline): Uncertain significance. Review status: criteria provided, multiple submitters, no conflicts (2 of 4 stars). 2 submissions from 2 submitters: Uncertain significance (2). Last evaluated 2022-09-06.

Allele frequency attached by ClinVar (database versions not stated): gnomAD exomes 0.00001; TOPMed 0.00001; ExAC 0.00002.
gnomAD v4.1: 16 of 1,612,136 alleles (0.00099%); highest among the groups gnomAD compares: East Asian, 0.0022%; no homozygotes.

Submissions (2):

Blueprint Genetics
Classification: Uncertain significance. Last evaluated: 2022-09-06. Review status: criteria provided, single submitter. Criteria: ACMG Guidelines, 2015. Collection method: clinical testing. Allele origin: germline.

Labcorp Genetics (formerly Invitae), Labcorp
Classification: Uncertain significance. Last evaluated: 2022-02-14. Review status: criteria provided, single submitter. Criteria: Invitae Variant Classification Sherloc (09022015). Collection method: clinical testing. Allele origin: germline.
Comment: This sequence change replaces threonine, which is neutral and polar, with methionine, which is neutral and non-polar, at codon 226 of the RDH11 protein (p.Thr226Met). This variant is present in population databases (rs751434718, gnomAD 0.002%). This variant has not been reported in the literature in individuals affected with RDH11-related conditions. Algorithms developed to predict the effect of missense changes on protein structure and function are either unavailable or do not agree on the potential impact of this missense change (SIFT: "Deleterious"; PolyPhen-2: "Probably Damaging"; Align-GVGD: "Class C0"). In summary, the available evidence is currently insufficient to determine the role of this variant in disease. Therefore, it has been classified as a Variant of Uncertain Significance.